The following is an entry in ClinVar:

ClinVar aggregate classification (germline): Likely benign. Review status: criteria provided, single submitter (1 of 4 stars). 4 submissions from 4 submitters: Likely benign (1). 3 of the submissions do not count toward it. Last evaluated 2025-04-01.

Conditions:
BDNF-related disorder. Also called: BDNF-related condition.

Allele frequency attached by ClinVar (database versions not stated): TOPMed 0.00051; gnomAD 0.00055 and 0.00064; gnomAD exomes 0.00068 and 0.00071; ESP Exome Variant Server 0.00074; ExAC 0.00096; 1000 Genomes Project 30x 0.00141; 1000 Genomes Project 0.00160.

Submissions (4):

CeGaT Center for Human Genetics Tuebingen
Classification: Likely benign. Last evaluated: 2025-04-01. Review status: criteria provided, single submitter. Criteria: CeGaT Center For Human Genetics Tuebingen Variant Classification Criteria Version 2. Collection method: clinical testing. Allele origin: germline. Affected: yes. Observed: 1 variant allele.
Comment: BDNF: BS1

PreventionGenetics, part of Exact Sciences
Classification: Likely benign for BDNF-related condition. Last evaluated: 2024-02-12. Review status: no assertion criteria provided. Collection method: clinical testing. Allele origin: germline. Not counted in ClinVar's aggregate classification.
Comment: This variant is classified as likely benign based on ACMG/AMP sequence variant interpretation guidelines (Richards et al. 2015 PMID: 25741868, with internal and published modifications).

Clinical Genetics, Academic Medical Center
Classification: Likely benign. Review status: no assertion criteria provided. Collection method: clinical testing. Allele origin: germline. Affected: yes. Study: VKGL Data-share Consensus. Not counted in ClinVar's aggregate classification.

Genome Diagnostics Laboratory, University Medical Center Utrecht
Classification: Likely benign. Review status: no assertion criteria provided. Collection method: clinical testing. Allele origin: germline. Affected: yes. Study: VKGL Data-share Consensus. Not counted in ClinVar's aggregate classification.

NM_001709.5(BDNF):c.-21-15601_-21-15600del

Genes: BDNF (brain derived neurotrophic factor; minus strand), BDNF-AS (BDNF antisense RNA; plus strand). Cytogenetic location: 11p14.1.
Variant type: Deletion.
Coding change: c.-21-15601_-21-15600del on transcript NM_001709.5 (MANE Select); 15601 bases into the intron before 21 bases upstream of the start codon through 15600 bases into the intron before 21 bases upstream of the start codon, 2 bases deleted (AT; older notation c.-21-15601_-21-15600delAT).
Molecular consequence: intron variant. On other transcripts: frameshift variant (1), 5 prime UTR variant (1).
Genome position (GRCh38, 1-based): chr11:27,674,185-27,674,186, AT deleted on the plus strand (AT on the coding strand, the reverse complement: BDNF is on the minus strand). VCF-style (leftmost placement, unchanged base first): chr11-27674184-CAT-C. GRCh37 (hg19) VCF-style: chr11-27695731-CAT-C.
Other names: c.99_100delAT (NM_001143810.1); c.99_100del, p.Cys34fs (NM_001143810.2); c.-265_-264del (NM_001143811.2); c.4-15601_4-15600del (NM_170731.5); c.-21-15601_-21-15600del (NM_001143805.1, NM_001143806.1, NM_170732.4 and 5 more transcripts); c.67-15601_67-15600del (NM_001143809.2); c.-128-15260_-128-15259del (NM_001143814.2); c.25-15601_25-15600del (NM_170734.4); short protein forms C34fs.
Identifiers: ClinVar variation 1299836 (VCV001299836.12), dbSNP rs539177035, ClinGen allele CA5929195.